The following is an entry in ClinVar:

NM_014625.4(NPHS2):c.928G>A (p.Glu310Lys)

Genes: AXDND1 (axonemal dynein light chain domain containing 1; plus strand), NPHS2 (NPHS2 stomatin family member, podocin; minus strand). Cytogenetic location: 1q25.2.
Variant type: single nucleotide variant.
Coding change: c.928G>A on transcript NM_014625.4 (MANE Select); coding-DNA position 928, G replaced by A.
Protein change: p.Glu310Lys; replaces glutamic acid 310 with lysine.
Molecular consequence: missense variant. On other transcripts: intron variant (1).
Genome position (GRCh38, 1-based): chr1:179,551,397, C>T on the plus strand (G>A on the coding strand, the complement: NPHS2 is on the minus strand). VCF-style: chr1-179551397-C-T. GRCh37 (hg19) VCF-style: chr1-179520532-C-T.
Other names: c.724G>A, p.Glu242Lys (NM_001297575.2); c.3032-3115C>T (NM_144696.6); short protein forms E242K, E310K.
Identifiers: ClinVar variation 1491797 (VCV001491797.16), dbSNP rs1673254835, ClinGen allele CA343565776.

ClinVar aggregate classification (germline): Conflicting classifications of pathogenicity. Review status: criteria provided, conflicting classifications (1 of 4 stars). 9 submissions from 9 submitters: Pathogenic (3); Likely pathogenic (5); Uncertain significance (1). Last evaluated 2026-08-06.

Conditions:
Nephrotic syndrome, type 2 (NPHS2). Also called: NEPHROTIC SYNDROME, STEROID-RESISTANT, AUTOSOMAL RECESSIVE. Identifiers: Orphanet 656, MedGen C1868672, MONDO:0010974, OMIM 600995.
Idiopathic nephrotic syndrome. Also called: Nephrotic syndrome, idiopathic, steroid-resistant. Identifiers: Orphanet 357502, MedGen C3496337, MONDO:0018170.
Steroid-resistant nephrotic syndrome. Identifiers: MedGen C0403397, MONDO:0044765, HP:0012588.

Allele frequency attached by ClinVar (database versions not stated): gnomAD exomes below 0.00001; TOPMed below 0.00001.
gnomAD v4.1: 1 of 1,614,050 alleles (0.000062%); highest among the groups gnomAD compares: Non-Finnish European, 0.000085%; no homozygotes.

Submissions (9):

OLLIN Analises Genomicas, OLLIN
Classification: Pathogenic for Nephrotic syndrome, type 2. Last evaluated: 2026-08-06. Review status: criteria provided, single submitter. Criteria: ACMG Guidelines 2015 PMID 25741868. Collection method: clinical testing. Allele origin: germline. Inheritance: Autosomal recessive inheritance.
Comment: This missense variant, located in exon 8 (of 8), has been reported in ClinVar (accession VCV001491797.14), in gnomAD with an allele frequency of 0.000062%, and in the scientific literature, segregating with the phenotype and in compound heterozygosity, in individuals with NPHS2 related disorders (PMID: 24509478). Functional studies suggest that this variant may affect protein function, and in silico analysis predicts a deleterious effect (PMID: 24509478). Another pathogenic variant affecting the same amino acid residue has been reported. According to the currently available evidence, this variant has been classified as pathogenic (PS3_P, PM2_P, PM3_VS, PM5, PP1, PP3).

Natera, Inc.
Classification: Pathogenic for Steroid-resistant nephrotic syndrome. Last evaluated: 2025-08-20. Review status: criteria provided, single submitter. Criteria: Natera Variant Classification Schema (03/2026). Collection method: clinical testing. Allele origin: germline.
Comment: The c.928G>A variant in NPHS2 is a missense variant predicted to cause substitution of glutamic acid to lysine at amino acid 310. This variant is rare in the general population with a frequency below the threshold expected for the associated phenotype(s). This variant has been observed in one or more individuals affected with the associated recessive disease, as either homozygous or compound heterozygous with a second variant (PMID: 25349199, 19145239, 23515051, 26420286). Additionally, this variant has been observed to segregate in affected family members (PMID: 19145239). Computational prediction algorithms indicate this variant is likely to affect gene or protein function. Given the available evidence, this variant is classified as Pathogenic.

GeneDx
Classification: Likely pathogenic. Last evaluated: 2025-08-08. Review status: criteria provided, single submitter. Criteria: GeneDx Variant Classification Process June 2021. Collection method: clinical testing. Allele origin: germline. Affected: yes.
Comment: Not observed at significant frequency in large population cohorts (gnomAD); In silico analysis supports that this missense variant has a deleterious effect on protein structure/function; This variant is associated with the following publications: (PMID: 23515051, 24509478, 30260545, 17699384, 20507940, 28658201, 30348286, 26420286, 38765578, 37915894, 19145239, 33305316, 25720465)

Labcorp Genetics (formerly Invitae), Labcorp
Classification: Likely pathogenic. Last evaluated: 2024-02-23. Review status: criteria provided, single submitter. Criteria: Invitae Variant Classification Sherloc (09022015). Collection method: clinical testing. Allele origin: germline.
Comment: This sequence change replaces glutamic acid, which is acidic and polar, with lysine, which is basic and polar, at codon 310 of the NPHS2 protein (p.Glu310Lys). This variant is not present in population databases (gnomAD no frequency). This missense change has been observed in individual(s) with congenital nephrotic syndrome (PMID: 19145239, 20507940, 24509478, 25720465, 28658201, 30348286, 33305316). It has also been observed to segregate with disease in related individuals. ClinVar contains an entry for this variant (Variation ID: 1491797). Advanced modeling of protein sequence and biophysical properties (such as structural, functional, and spatial information, amino acid conservation, physicochemical variation, residue mobility, and thermodynamic stability) performed at Invitae indicates that this missense variant is not expected to disrupt NPHS2 protein function with a negative predictive value of 80%. This variant has been shown to alter NPHS2 (podocin) protein function, resulting in podocin mislocalization when in combination with p.Arg229Gln-podocin (PMID: 24509478). In summary, the currently available evidence indicates that the variant is pathogenic, but additional data are needed to prove that conclusively. Therefore, this variant has been classified as Likely Pathogenic.

Baylor Genetics
Classification: Pathogenic for Nephrotic syndrome, type 2. Last evaluated: 2024-01-20. Review status: criteria provided, single submitter. Criteria: ACMG Guidelines, 2015. Collection method: clinical testing. Allele origin: unknown.

Genome-Nilou Lab
Classification: Likely pathogenic for Nephrotic syndrome, type 2. Last evaluated: 2023-04-11. Review status: criteria provided, single submitter. Criteria: ACMG Guidelines, 2015. Collection method: clinical testing. Allele origin: germline. Affected: no.

Women's Health and Genetics/Laboratory Corporation of America, LabCorp
Classification: Likely pathogenic for Idiopathic nephrotic syndrome. Last evaluated: 2023-03-10. Review status: criteria provided, single submitter. Criteria: LabCorp Variant Classification Summary - May 2015. Collection method: clinical testing. Allele origin: germline.
Comment: Variant summary: NPHS2 c.928G>A (p.Glu310Lys) results in a conservative amino acid change in the encoded protein sequence. Three of five in-silico tools predict a damaging effect of the variant on protein function. The variant was absent in 250942 control chromosomes. c.928G>A has been reported in the literature in individuals affected with Nephrotic Syndrome, Type 2 in homozygous or compound heterozygous state. These data indicate that the variant may be associated with disease. To our knowledge, no experimental evidence demonstrating an impact on protein function has been reported. Two clinical diagnostic laboratories have submitted clinical-significance assessments for this variant to ClinVar after 2014 without evidence for independent evaluation. Both laboratories classified the variant as likely pathogenic. Based on the evidence outlined above, the variant was classified as likely pathogenic.

Fulgent Genetics
Classification: Likely pathogenic for Nephrotic syndrome, type 2. Last evaluated: 2022-04-20. Review status: criteria provided, single submitter. Criteria: ACMG Guidelines, 2015. Collection method: clinical testing. Allele origin: unknown.

Blueprint Genetics
Classification: Uncertain significance. Last evaluated: 2020-02-10. Review status: criteria provided, single submitter. Criteria: ACMG Guidelines, 2015. Collection method: clinical testing. Allele origin: germline.

Literature cited by the submitters: PubMed 24509478 (cited by OLLIN Analises Genomicas, OLLIN and Labcorp Genetics (formerly Invitae), Labcorp); PubMed 25349199 (cited by Natera, Inc.); PubMed 19145239 (cited by 3 submitters); PubMed 23515051 (cited by Natera, Inc. and Women's Health and Genetics/Laboratory Corporation of America, LabCorp); PubMed 26420286 (cited by Natera, Inc. and Women's Health and Genetics/Laboratory Corporation of America, LabCorp); PubMed 20507940 (cited by Labcorp Genetics (formerly Invitae), Labcorp); PubMed 25720465 (cited by Labcorp Genetics (formerly Invitae), Labcorp and Women's Health and Genetics/Laboratory Corporation of America, LabCorp); PubMed 28658201 (cited by Labcorp Genetics (formerly Invitae), Labcorp); PubMed 30348286 (cited by Labcorp Genetics (formerly Invitae), Labcorp); PubMed 33305316 (cited by Labcorp Genetics (formerly Invitae), Labcorp); PubMed 17699384 (cited by Women's Health and Genetics/Laboratory Corporation of America, LabCorp).